The following is an entry in ClinVar:

ClinVar aggregate classification (germline): Likely benign. Review status: criteria provided, multiple submitters, no conflicts (2 of 4 stars). 3 submissions from 3 submitters: Likely benign (3). Last evaluated 2020-04-12.

Conditions:
Congenital disorder of glycosylation (CDG). Also called: Carbohydrate-deficient glycoprotein syndrome; Congenital disorders of glycosylation. Identifiers: Orphanet 137, MedGen C0282577, MONDO:0015286.

Allele frequency attached by ClinVar (database versions not stated): 1000 Genomes Project 0.00579; 1000 Genomes Project 30x 0.00625; TOPMed 0.01481; gnomAD 0.01573; gnomAD exomes 0.02337.
gnomAD v4.1: 31,201 of 1,392,258 alleles (2.2%); highest among the groups gnomAD compares: Non-Finnish European, 2.6%; 409 homozygotes.

Submissions (3):

GeneDx
Classification: Likely benign. Last evaluated: 2020-04-12. Review status: criteria provided, single submitter. Criteria: GeneDx Variant Classification Process June 2021. Collection method: clinical testing. Allele origin: germline. Affected: yes.

Illumina Laboratory Services, Illumina
Classification: Likely benign for Congenital disorder of glycosylation. Last evaluated: 2018-01-13. Review status: criteria provided, single submitter. Criteria: ICSL Variant Classification Criteria 13 December 2019. Collection method: clinical testing. Allele origin: germline.
Comment: This variant was observed in the ICSL laboratory as part of a predisposition screen in an ostensibly healthy population. It had not been previously curated by ICSL or reported in the Human Gene Mutation Database (HGMD: prior to June 1st, 2018), and was therefore a candidate for classification through an automated scoring system. Utilizing variant allele frequency, disease prevalence and penetrance estimates, and inheritance mode, an automated score was calculated to assess if this variant is too frequent to cause the disease. Based on the score and internal cut-off values, a variant classified as likely benign is not then subjected to further curation. The score for this variant resulted in a classification of likely benign for this disease.

Breakthrough Genomics
Classification: Likely benign. Review status: criteria provided, single submitter. Criteria: ACMG Guidelines, 2015. Collection method: not provided. Allele origin: germline. Inheritance: Autosomal recessive inheritance. Affected: yes.

NM_006765.4(TUSC3):c.-87C>T

Gene: TUSC3 (tumor suppressor candidate 3; plus strand). Cytogenetic location: 8p22.
Variant type: single nucleotide variant.
Coding change: c.-87C>T on transcript NM_006765.4 (MANE Select); 87 bases upstream of the start codon, C replaced by T.
Molecular consequence: 5 prime UTR variant.
Genome position (GRCh38, 1-based): chr8:15,540,344, C>T. VCF-style: chr8-15540344-C-T. GRCh37 (hg19) VCF-style: chr8-15397853-C-T.
Other names: c.-87C>T (NM_001356429.2, NM_178234.2).
Identifiers: ClinVar variation 362306 (VCV000362306.9), dbSNP rs113041846, ClinGen allele CA10630510.